The following is an entry in ClinVar:

NC_000007.13:g.(?_65439262)_(65441209_?)del

Gene: GUSB (glucuronidase beta; minus strand). Cytogenetic location: 7q11.21.
Variant type: Deletion.
Identifiers: ClinVar variation 3245711 (VCV003245711.1).

ClinVar aggregate classification (germline): Pathogenic (1 of 4 stars; one submission).

Conditions:
Mucopolysaccharidosis type 7 (MPS7). Also called: BETA-GLUCURONIDASE DEFICIENCY; GUSB DEFICIENCY; SLY SYNDROME; MPS VII. Identifiers: Orphanet 584, MedGen C0085132, MONDO:0009662, OMIM 253220.

Submission:

Labcorp Genetics (formerly Invitae), Labcorp
Classification: Pathogenic for Mucopolysaccharidosis type 7. Last evaluated: 2023-03-21. Review status: criteria provided, single submitter. Criteria: Invitae Variant Classification Sherloc (09022015). Collection method: clinical testing. Allele origin: unknown.
Comment: For these reasons, this variant has been classified as Pathogenic. This variant has not been reported in the literature in individuals affected with GUSB-related conditions. This variant is a gross deletion of the genomic region encompassing exon(s) 5-8 of the GUSB gene. This deletion is out-of-frame, and is expected to create a premature termination codon and result in an absent or disrupted protein product. Loss-of-function variants in GUSB are known to be pathogenic (PMID: 19224584).

Literature cited by the submitters: PubMed 19224584.